The following is an entry in ClinVar:

ClinVar aggregate classification (germline): Uncertain significance (1 of 4 stars; one submission).

Conditions:
Epilepsy. Also called: Seizure disorder. Identifiers: MedGen C0014544, MeSH D004827, MONDO:0005027.

Submission:

Labcorp Genetics (formerly Invitae), Labcorp
Classification: Uncertain significance for Epilepsy. Last evaluated: 2022-02-08. Review status: criteria provided, single submitter. Criteria: Invitae Variant Classification Sherloc (09022015). Collection method: clinical testing. Allele origin: germline.
Comment: This variant has not been reported in the literature in individuals affected with PIGQ-related conditions. This variant is not present in population databases (gnomAD no frequency). This sequence change results in a frameshift in the PIGQ gene (p.Asp578Glnfs*204). While this is not anticipated to result in nonsense mediated decay, it is expected to disrupt the last 4 amino acid(s) of the PIGQ protein and extend the protein by 199 additional amino acid residues. Experimental studies and prediction algorithms are not available or were not evaluated, and the functional significance of this variant is currently unknown. In summary, the available evidence is currently insufficient to determine the role of this variant in disease. Therefore, it has been classified as a Variant of Uncertain Significance.

NM_004204.5(PIGQ):c.1728_1729del (p.Asp578fs)

Gene: PIGQ (phosphatidylinositol glycan anchor biosynthesis class Q; plus strand). Cytogenetic location: 16p13.3.
Variant type: Microsatellite.
Coding change: c.1728_1729del on transcript NM_004204.5 (MANE Select); coding-DNA positions 1728 to 1729, 2 bases deleted (AG; older notation c.1728_1729delAG).
Protein change: p.Asp578fs; shifts the reading frame from aspartic acid 578.
Molecular consequence: frameshift variant.
Genome position (GRCh38, 1-based): chr16:583,017-583,018, AG deleted; deleting any 2 consecutive bases within chr16:583,013-583,018 gives the same sequence; the c. name uses the placement nearest the transcript's 3' end. VCF-style (leftmost placement, unchanged base first): chr16-583012-CAG-C. GRCh37 (hg19) VCF-style: chr16-633012-CAG-C.
Other names: c.1666_1667del, p.Arg556fs (NM_148920.4); short protein forms D578fs, R556fs.
Identifiers: ClinVar variation 1355985 (VCV001355985.7), dbSNP rs2035837726, ClinGen allele CA2201123532.